The following is an entry in ClinVar:

NM_003047.5(SLC9A1):c.2165C>G (p.Ala722Gly)

Gene: SLC9A1 (solute carrier family 9 member A1; minus strand). Cytogenetic location: 1p36.11.
Variant type: single nucleotide variant.
Coding change: c.2165C>G on transcript NM_003047.5 (MANE Select); coding-DNA position 2165, C replaced by G.
Protein change: p.Ala722Gly; replaces alanine 722 with glycine.
Molecular consequence: missense variant. On other transcripts: non-coding transcript variant (1).
Genome position (GRCh38, 1-based): chr1:27,100,590, G>C on the plus strand (C>G on the coding strand, the complement: SLC9A1 is on the minus strand). VCF-style: chr1-27100590-G-C. GRCh37 (hg19) VCF-style: chr1-27427081-G-C.
Other names: short protein forms A722G.
Identifiers: ClinVar variation 5009344 (VCV005009344.1).
Genomic context (GRCh38, chr1:27,100,590, plus strand): 5'-AAGACTTTGCCCTTCAGCTCTTCATTCACCAGGTCCACAGACTCGGGTGACTGCGGGGAA[G>C]CCGGGTCGATGGTGATGACAGGCAGGTCCTCCTTCGGCTCATAGGCCAGTGGGTCTGGGG-3'
Protein context (NP_003038.2, residues 712-732): EDLPVITIDP[Ala722Gly]SPQSPESVDL

ClinVar aggregate classification (germline): Uncertain significance (1 of 4 stars; one submission).

Submission:

GeneDx
Classification: Uncertain significance. Last evaluated: 2026-03-17. Review status: criteria provided, single submitter. Criteria: GeneDx Variant Classification Process June 2021. Collection method: clinical testing. Allele origin: germline.
Comment: Not observed at significant frequency in large population cohorts (gnomAD); In silico analysis suggests that this missense variant does not alter protein structure/function; Has not been previously published as pathogenic or benign to our knowledge